The following is an entry in ClinVar:

NM_001369.3(DNAH5):c.3677G>A (p.Arg1226Gln)

Genes: DNAH5 (dynein axonemal heavy chain 5; minus strand), DNAH5-AS1 (DNAH5 antisense RNA 1; plus strand). Cytogenetic location: 5p15.2.
Variant type: single nucleotide variant.
Coding change: c.3677G>A on transcript NM_001369.3 (MANE Select); coding-DNA position 3677, G replaced by A.
Protein change: p.Arg1226Gln; replaces arginine 1226 with glutamine.
Molecular consequence: missense variant.
Genome position (GRCh38, 1-based): chr5:13,870,924, C>T on the plus strand (G>A on the coding strand, the complement: DNAH5 is on the minus strand). VCF-style: chr5-13870924-C-T. GRCh37 (hg19) VCF-style: chr5-13871033-C-T.
Other names: short protein forms R1226Q.
Identifiers: ClinVar variation 569169 (VCV000569169.8), dbSNP rs781418120, ClinGen allele CA3204198.

ClinVar aggregate classification (germline): Uncertain significance. Review status: criteria provided, single submitter (1 of 4 stars). 2 submissions from 2 submitters: Uncertain significance (1). 1 of the submissions does not count toward it. Last evaluated 2021-11-11.

Conditions:
Primary ciliary dyskinesia. Also called: Ciliary dyskinesia. Identifiers: Orphanet 244, MedGen C0008780, MONDO:0016575, HP:0012265.

Allele frequency attached by ClinVar (database versions not stated): ExAC 0.00001; gnomAD exomes 0.00001; TOPMed 0.00002.
gnomAD v4.1: 10 of 1,613,622 alleles (0.00062%); highest among the groups gnomAD compares: East Asian, 0.0045%; no homozygotes.

Submissions (2):

Labcorp Genetics (formerly Invitae), Labcorp
Classification: Uncertain significance for Primary ciliary dyskinesia. Last evaluated: 2021-11-11. Review status: criteria provided, single submitter. Criteria: Invitae Variant Classification Sherloc (09022015). Collection method: clinical testing. Allele origin: germline.
Comment: This sequence change replaces arginine, which is basic and polar, with glutamine, which is neutral and polar, at codon 1226 of the DNAH5 protein (p.Arg1226Gln). This variant is not present in population databases (gnomAD no frequency). This missense change has been observed in individual(s) with clinical features of DNAH5-related conditions (Invitae). In at least one individual the data is consistent with being in trans (on the opposite chromosome) from a pathogenic variant. ClinVar contains an entry for this variant (Variation ID: 569169). Advanced modeling of protein sequence and biophysical properties (such as structural, functional, and spatial information, amino acid conservation, physicochemical variation, residue mobility, and thermodynamic stability) performed at Invitae indicates that this missense variant is not expected to disrupt DNAH5 protein function. In summary, the available evidence is currently insufficient to determine the role of this variant in disease. Therefore, it has been classified as a Variant of Uncertain Significance.

Natera, Inc.
Classification: Uncertain significance for Primary ciliary dyskinesia. Last evaluated: 2020-03-17. Review status: no assertion criteria provided. Collection method: clinical testing. Allele origin: germline. Not counted in ClinVar's aggregate classification.